The following is an entry in ClinVar:

ClinVar aggregate classification (germline): Uncertain significance. Review status: criteria provided, multiple submitters, no conflicts (2 of 4 stars). 2 submissions from 2 submitters: Uncertain significance (2). Last evaluated 2024-10-01.

Conditions:
Hereditary cancer-predisposing syndrome. Also called: Neoplastic Syndromes, Hereditary; Tumor predisposition; Hereditary neoplastic syndrome; Hereditary Cancer Syndrome. Identifiers: Orphanet 140162, MedGen C0027672, MeSH D009386, MONDO:0015356.
POLD1-related polyposis and colorectal cancer syndrome (CRCS10). Also called: COLORECTAL CANCER, SUSCEPTIBILITY TO, ON CHROMOSOME 19q; Colorectal cancer 10; Colorectal cancer, susceptibility to, 10. Identifiers: Orphanet 220460, MedGen C2675481, MONDO:0012953, OMIM 612591.

gnomAD v4.1: 2 of 1,612,746 alleles (0.00012%); highest among the groups gnomAD compares: Admixed American, 0.0017%; no homozygotes.

Submissions (2):

Labcorp Genetics (formerly Invitae), Labcorp
Classification: Uncertain significance for POLD1-related polyposis and colorectal cancer syndrome. Last evaluated: 2024-10-01. Review status: criteria provided, single submitter. Criteria: Invitae Variant Classification Sherloc (09022015). Collection method: clinical testing. Allele origin: germline.
Comment: This sequence change replaces valine, which is neutral and non-polar, with leucine, which is neutral and non-polar, at codon 572 of the POLD1 protein (p.Val572Leu). This variant is not present in population databases (gnomAD no frequency). This variant has not been reported in the literature in individuals affected with POLD1-related conditions. ClinVar contains an entry for this variant (Variation ID: 1778613). Invitae Evidence Modeling of protein sequence and biophysical properties (such as structural, functional, and spatial information, amino acid conservation, physicochemical variation, residue mobility, and thermodynamic stability) indicates that this missense variant is not expected to disrupt POLD1 protein function with a negative predictive value of 80%. In summary, the available evidence is currently insufficient to determine the role of this variant in disease. Therefore, it has been classified as a Variant of Uncertain Significance.

Ambry Genetics
Classification: Uncertain significance for Hereditary cancer-predisposing syndrome. Last evaluated: 2022-05-12. Review status: criteria provided, single submitter. Criteria: Ambry Variant Classification Scheme 2023. Collection method: clinical testing. Allele origin: germline.
Comment: The p.V572L variant (also known as c.1714G>C), located in coding exon 13 of the POLD1 gene, results from a G to C substitution at nucleotide position 1714. The valine at codon 572 is replaced by leucine, an amino acid with highly similar properties. This amino acid position is conserved. In addition, this alteration is predicted to be tolerated by in silico analysis. Since supporting evidence is limited at this time, the clinical significance of this alteration remains unclear.

NM_002691.4(POLD1):c.1714G>C (p.Val572Leu)

Gene: POLD1 (DNA polymerase delta 1, catalytic subunit; plus strand). Cytogenetic location: 19q13.33.
Variant type: single nucleotide variant.
Coding change: c.1714G>C on transcript NM_002691.4 (MANE Select); coding-DNA position 1714, G replaced by C.
Protein change: p.Val572Leu; replaces valine 572 with leucine.
Molecular consequence: missense variant. On other transcripts: non-coding transcript variant (1).
Genome position (GRCh38, 1-based): chr19:50,407,354, G>C. VCF-style: chr19-50407354-G-C. GRCh37 (hg19) VCF-style: chr19-50910611-G-C.
Other names: c.1714G>C, p.Val572Leu (NM_001256849.1, NM_001308632.1); short protein forms V572L.
Identifiers: ClinVar variation 1778613 (VCV001778613.8), dbSNP rs775434361, ClinGen allele CA309601836.
Genomic context (GRCh38, chr19:50,407,354, plus strand): 5'-ACCCACTCCATTTCCCACCTTCTCCCCTCCCAGGCCATGCACGAGGGGCTGCTGATGCCC[G>C]TGGTGAAGTCAGAGGGCGGCGAGGACTACACGGGAGCCACTGTCATCGAGCCCCTCAAAG-3'
Protein context (NP_002682.2, residues 562-582): QAMHEGLLMP[Val572Leu]VKSEGGEDYT